The following is an entry in ClinVar:

ClinVar aggregate classification (germline): Uncertain significance (1 of 4 stars; one submission).

Conditions:
Werner syndrome (WRN). Identifiers: Orphanet 902, MedGen C0043119, MONDO:0010196, OMIM 277700.

Allele frequency attached by ClinVar (database versions not stated): gnomAD exomes below 0.00001; TOPMed below 0.00001; ExAC 0.00001; ESP Exome Variant Server 0.00008.
gnomAD v4.1: 4 of 1,614,116 alleles (0.00025%); highest among the groups gnomAD compares: Non-Finnish European, 0.00034%; no homozygotes.

Submission:

Labcorp Genetics (formerly Invitae), Labcorp
Classification: Uncertain significance for Werner syndrome. Last evaluated: 2023-12-06. Review status: criteria provided, single submitter. Criteria: Invitae Variant Classification Sherloc (09022015). Collection method: clinical testing. Allele origin: germline.
Comment: This sequence change replaces isoleucine, which is neutral and non-polar, with threonine, which is neutral and polar, at codon 1316 of the WRN protein (p.Ile1316Thr). This variant is present in population databases (rs377596908, gnomAD 0.007%). This variant has not been reported in the literature in individuals affected with WRN-related conditions. An algorithm developed to predict the effect of missense changes on protein structure and function (PolyPhen-2) suggests that this variant is likely to be disruptive. In summary, the available evidence is currently insufficient to determine the role of this variant in disease. Therefore, it has been classified as a Variant of Uncertain Significance.

NM_000553.6(WRN):c.3947T>C (p.Ile1316Thr)

Gene: WRN (WRN RecQ like helicase; plus strand). Cytogenetic location: 8p12.
Variant type: single nucleotide variant.
Coding change: c.3947T>C on transcript NM_000553.6 (MANE Select); coding-DNA position 3947, T replaced by C.
Protein change: p.Ile1316Thr; replaces isoleucine 1316 with threonine.
Molecular consequence: missense variant.
Genome position (GRCh38, 1-based): chr8:31,157,495, T>C. VCF-style: chr8-31157495-T-C. GRCh37 (hg19) VCF-style: chr8-31015011-T-C.
Other names: short protein forms I1316T.
Identifiers: ClinVar variation 2761275 (VCV002761275.3), dbSNP rs377596908, ClinGen allele CA4705211.